The following is an entry in ClinVar:

ClinVar aggregate classification (germline): Uncertain significance. Review status: criteria provided, multiple submitters, no conflicts (2 of 4 stars). 7 submissions from 7 submitters: Uncertain significance (6). 1 of the submissions does not count toward it. Last evaluated 2026-01-19.

Conditions:
Pyruvate carboxylase deficiency. Also called: Pyruvate Carboxylase Deficiency Disease; ATAXIA WITH LACTIC ACIDOSIS II; PC DEFICIENCY; LEIGH NECROTIZING ENCEPHALOPATHY DUE TO PYRUVATE CARBOXYLASE DEFICIENCY; LEIGH SYNDROME DUE TO PYRUVATE CARBOXYLASE DEFICIENCY. Identifiers: Orphanet 3008, MedGen C0034341, MONDO:0009949, OMIM 266150.
Inborn genetic diseases. Identifiers: MedGen C0950123, MeSH D030342.

Submissions (7):

Labcorp Genetics (formerly Invitae), Labcorp
Classification: Uncertain significance for Pyruvate carboxylase deficiency. Last evaluated: 2026-01-19. Review status: criteria provided, single submitter. Criteria: Invitae Variant Classification Sherloc (09022015). Collection method: clinical testing. Allele origin: germline.
Comment: This sequence change falls in intron 10 of the PC gene. It does not directly change the encoded amino acid sequence of the PC protein. It affects a nucleotide within the consensus splice site. This variant is present in population databases (rs748620956, gnomAD 0.04%). This variant has not been reported in the literature in individuals affected with PC-related conditions. ClinVar contains an entry for this variant (Variation ID: 426656). Variants that disrupt the consensus splice site are a relatively common cause of aberrant splicing (PMID: 17576681, 9536098). Algorithms developed to predict the effect of sequence changes on RNA splicing suggest that this variant may disrupt the consensus splice site. In summary, the available evidence is currently insufficient to determine the role of this variant in disease. Therefore, it has been classified as a Variant of Uncertain Significance.

Ambry Genetics
Classification: Uncertain significance for Inborn genetic diseases. Last evaluated: 2026-01-14. Review status: criteria provided, single submitter. Criteria: Ambry Variant Classification Scheme 2023. Collection method: clinical testing. Allele origin: germline.
Comment: The c.1185+5_1185+8delGCGG intronic variant begins 5 nucleotides after exon 10 (coding exon 8) in the PC gene. This variant consists of a deletion of 4 nucleotides at positions c.1185+5 to c.1185+8. Based on data from gnomAD, the c.1185+5_1185+8delGCGG allele has an overall frequency of 0.025% (68/274904) total alleles studied. The highest observed frequency was 0.043% (13/30452) of South Asian alleles. Based on insufficient or conflicting evidence, the clinical significance of this alteration remains unclear.

GeneDx
Classification: Uncertain significance. Last evaluated: 2025-08-28. Review status: criteria provided, single submitter. Criteria: GeneDx Variant Classification Process June 2021. Collection method: clinical testing. Allele origin: germline. Affected: yes.
Comment: Intronic variant directly or indirectly altering the +5 splice site in a gene for which loss of function is a known mechanism of disease, and splice predictors support a deleterious effect; Has not been previously published as pathogenic or benign to our knowledge

Blueprint Genetics
Classification: Uncertain significance. Last evaluated: 2024-10-30. Review status: criteria provided, single submitter. Criteria: ACMG Guidelines, 2015. Collection method: clinical testing. Allele origin: germline.

Women's Health and Genetics/Laboratory Corporation of America, LabCorp
Classification: Uncertain significance. Last evaluated: 2024-02-08. Review status: criteria provided, single submitter. Criteria: LabCorp Variant Classification Summary - May 2015. Collection method: clinical testing. Allele origin: germline.
Comment: Variant summary: PC c.1185+5_1185+8delGCGG removes 4 nucleotides located close to a canonical splice site and therefore could affect mRNA splicing, leading to a significantly altered protein sequence. Several computational tools predict a significant impact on normal splicing: three predict the variant abolishes a 5' splicing donor site, while one predicts the variant weakens a 5' donor site. However, these predictions have yet to be confirmed by functional studies. The variant allele was found at a frequency of 0.00034 in 1,605,122 control chromosomes in the gnomAD database (v4.0 dataset), including 1 homozygote. This frequency is not higher than the estimated maximum expected for a pathogenic variant in PC causing Pyruvate Carboxylase Deficiency (0.00034 vs 0.0022), allowing no conclusion about variant significance. To our knowledge, no occurrence of c.1185+5_1185+8delGCGG in individuals affected with Pyruvate Carboxylase Deficiency and no experimental evidence demonstrating its impact on protein function have been reported. ClinVar contains an entry for this variant (Variation ID: 426656). Based on the evidence outlined above, the variant was classified as uncertain significance.

Center for Pediatric Genomic Medicine, Children's Mercy Hospital and Clinics
Classification: Uncertain significance. Last evaluated: 2017-06-02. Review status: criteria provided, single submitter. Criteria: ACMG Guidelines, 2015. Collection method: clinical testing. Allele origin: germline.

Counsyl
Classification: Uncertain significance for Pyruvate carboxylase deficiency. Last evaluated: 2017-09-05. Review status: no assertion criteria provided. Collection method: clinical testing. Allele origin: unknown. Not counted in ClinVar's aggregate classification.

Literature cited by the submitters: PubMed 17576681 (cited by Labcorp Genetics (formerly Invitae), Labcorp); PubMed 9536098 (cited by Labcorp Genetics (formerly Invitae), Labcorp).

NM_001040716.2(PC):c.1185+5_1185+8del

Gene: PC (pyruvate carboxylase; minus strand). Cytogenetic location: 11q13.2.
Variant type: Deletion.
Coding change: c.1185+5_1185+8del on transcript NM_001040716.2 (MANE Select); bases 5 to 8 of the intron after coding-DNA position 1185, 4 bases deleted (GCGG; older notation c.1185+5_1185+8delGCGG).
Molecular consequence: intron variant.
Genome position (GRCh38, 1-based): chr11:66,866,179-66,866,182, CCGC deleted on the plus strand (GCGG on the coding strand, the reverse complement: PC is on the minus strand); deleting any 4 consecutive bases within chr11:66,866,179-66,866,184 gives the same sequence; the c. name uses the placement nearest the transcript's 3' end. VCF-style (leftmost placement, unchanged base first): chr11-66866178-TCCGC-T. GRCh37 (hg19) VCF-style: chr11-66633649-TCCGC-T.
Other names: c.1185+5_1185+8del (NM_000920.4, NM_022172.3); c.1185+5_1185+8delGCGG (NM_000920.3, NM_001040716.2).
Identifiers: ClinVar variation 426656 (VCV000426656.18), dbSNP rs748620956, ClinGen allele CA6131964.